The following is an entry in ClinVar:

NM_025233.7(COASY):c.1664G>A (p.Arg555His)

Gene: COASY (Coenzyme A synthase; plus strand). Cytogenetic location: 17q21.2.
Variant type: single nucleotide variant.
Coding change: c.1664G>A on transcript NM_025233.7 (MANE Select); coding-DNA position 1664, G replaced by A.
Protein change: p.Arg555His; replaces arginine 555 with histidine.
Molecular consequence: missense variant.
Genome position (GRCh38, 1-based): chr17:42,565,937, G>A. VCF-style: chr17-42565937-G-A. GRCh37 (hg19) VCF-style: chr17-40717955-G-A.
Other names: c.1664G>A, p.Arg555His (NM_001042529.3); c.1751G>A, p.Arg584His (NM_001042532.4); short protein forms R555H, R584H.
Identifiers: ClinVar variation 2506397 (VCV002506397.8), dbSNP rs547644095, ClinGen allele CA8578433.

ClinVar aggregate classification (germline): Uncertain significance. Review status: criteria provided, multiple submitters, no conflicts (2 of 4 stars). 3 submissions from 3 submitters: Uncertain significance (2). 1 of the submissions does not count toward it. Last evaluated 2026-03-01.

Conditions:
Neurodegeneration with brain iron accumulation 6 (NBIA6). Also called: COASY protein-associated neurodegeneration. Identifiers: Orphanet 397725, MedGen C4517377, MONDO:0014290, OMIM 615643.
Pontocerebellar hypoplasia, type 12. Identifiers: Orphanet 611256, MedGen C4748873, MONDO:0032643, OMIM 618266.

Allele frequency attached by ClinVar (database versions not stated): gnomAD 0.00002; 1000 Genomes Project 30x 0.00016; 1000 Genomes Project 0.00020.

Submissions (3):

CeGaT Center for Human Genetics Tuebingen
Classification: Uncertain significance. Last evaluated: 2026-03-01. Review status: criteria provided, single submitter. Criteria: CeGaT Center For Human Genetics Tuebingen Variant Classification Criteria Version 2. Collection method: clinical testing. Allele origin: germline. Affected: yes. Observed: 1 variant allele.
Comment: COASY: PM2, PM3, BP4

Labcorp Genetics (formerly Invitae), Labcorp
Classification: Uncertain significance for Neurodegeneration with brain iron accumulation 6. Last evaluated: 2023-09-04. Review status: criteria provided, single submitter. Criteria: Invitae Variant Classification Sherloc (09022015). Collection method: clinical testing. Allele origin: germline.
Comment: In summary, the available evidence is currently insufficient to determine the role of this variant in disease. Therefore, it has been classified as a Variant of Uncertain Significance. This sequence change replaces arginine, which is basic and polar, with histidine, which is basic and polar, at codon 555 of the COASY protein (p.Arg555His). The frequency data for this variant in the population databases is considered unreliable, as metrics indicate poor data quality at this position in the gnomAD database. This missense change has been observed in individual(s) with COASY-related conditions (PMID: 36495139). It has also been observed to segregate with disease in related individuals. ClinVar contains an entry for this variant (Variation ID: 2506397). Advanced modeling of protein sequence and biophysical properties (such as structural, functional, and spatial information, amino acid conservation, physicochemical variation, residue mobility, and thermodynamic stability) has been performed at Invitae for this missense variant, however the output from this modeling did not meet the statistical confidence thresholds required to predict the impact of this variant on COASY protein function.

OMIM
Classification: Pathogenic for PONTOCEREBELLAR HYPOPLASIA, TYPE 12. Last evaluated: 2023-06-20. Review status: no assertion criteria provided. Collection method: literature only. Allele origin: germline. Not counted in ClinVar's aggregate classification.

Literature cited by the submitters: PubMed 36495139 (cited by Labcorp Genetics (formerly Invitae), Labcorp and OMIM).